The following is an entry in ClinVar:

ClinVar aggregate classification (germline): Benign/Likely benign. Review status: criteria provided, multiple submitters, no conflicts (2 of 4 stars). 2 submissions from 2 submitters: Benign (1); Likely benign (1). Last evaluated 2026-01-25.

Conditions:
Glycogen storage disease IXa1. Also called: GLYCOGEN STORAGE DISEASE VIII; GSD VIII; Glycogen storage disease 8; LIVER GLYCOGENOSIS, X-LINKED, TYPE I. Identifiers: Orphanet 264580, MedGen C3694531, MONDO:0010598, OMIM 306000.

Allele frequency attached by ClinVar (database versions not stated): gnomAD exomes 0.00013 and 0.00029; ExAC 0.00036; 1000 Genomes Project 0.00079; 1000 Genomes Project 30x 0.00083; gnomAD 0.00097 and 0.00106; ESP Exome Variant Server 0.00104; TOPMed 0.00133.
gnomAD v4.1: 254 of 1,204,240 alleles (0.021%); highest among the groups gnomAD compares: African/African-American, 0.31%; 1 homozygote.

Submissions (2):

Labcorp Genetics (formerly Invitae), Labcorp
Classification: Benign for Glycogen storage disease IXa1. Last evaluated: 2026-01-25. Review status: criteria provided, single submitter. Criteria: Invitae Variant Classification Sherloc (09022015). Collection method: clinical testing. Allele origin: germline.

GeneDx
Classification: Likely benign. Last evaluated: 2017-10-02. Review status: criteria provided, single submitter. Criteria: GeneDx Variant Classification (06012015). Collection method: clinical testing. Allele origin: germline. Affected: yes.
Comment: This variant is considered likely benign or benign based on one or more of the following criteria: it is a conservative change, it occurs at a poorly conserved position in the protein, it is predicted to be benign by multiple in silico algorithms, and/or has population frequency not consistent with disease.

NM_000292.3(PHKA2):c.3336+17G>A

Gene: PHKA2 (phosphorylase kinase regulatory subunit alpha 2; minus strand). Cytogenetic location: Xp22.13.
Variant type: single nucleotide variant.
Coding change: c.3336+17G>A on transcript NM_000292.3 (MANE Select); 17 bases into the intron after coding-DNA position 3336, G replaced by A.
Molecular consequence: intron variant.
Genome position (GRCh38, 1-based): chrX:18,895,121, C>T on the plus strand (G>A on the coding strand, the complement: PHKA2 is on the minus strand). VCF-style: chrX-18895121-C-T. GRCh37 (hg19) VCF-style: chrX-18913239-C-T.
Identifiers: ClinVar variation 512113 (VCV000512113.6), dbSNP rs199840021, ClinGen allele CA10361340.